The following is an entry in ClinVar:

NM_005068.3(SIM1):c.243C>A (p.Gly81=)

Gene: SIM1 (SIM bHLH transcription factor 1; minus strand). Cytogenetic location: 6q16.3.
Variant type: single nucleotide variant.
Coding change: c.243C>A on transcript NM_005068.3 (MANE Select); coding-DNA position 243, C replaced by A.
Protein change: p.Gly81=; no amino-acid change (glycine 81 retained).
Molecular consequence: synonymous variant.
Genome position (GRCh38, 1-based): chr6:100,453,777, G>T on the plus strand (C>A on the coding strand, the complement: SIM1 is on the minus strand). VCF-style: chr6-100453777-G-T. GRCh37 (hg19) VCF-style: chr6-100901653-G-T.
Other names: c.243C>A, p.Gly81= (NM_001374769.1).
Identifiers: ClinVar variation 3031570 (VCV003031570.2), dbSNP rs775986816, ClinGen allele CA3937374.
Genomic context (GRCh38, chr6:100,453,777, plus strand): 5'-CAGACCCTCAAAGCTTATGTGTTGCCGGAAGACCTGCACCTGTACCTGGAGCAGATGGGA[G>T]CCCAGTTCTCGGCCAACGTTGTCCAGGGGGCTGGTCCGACTTGAGTGGCCCCACGCCTCG-3'
Protein context (NP_005059.2, residues 71-91): SPLDNVGREL[Gly81=]SHLLQTLDGF

ClinVar aggregate classification (germline): Likely benign (0 of 4 stars; one submission).

Conditions:
SIM1-related disorder. Also called: SIM1-related condition; SIM1-related disorders.

Allele frequency attached by ClinVar (database versions not stated): ExAC 0.00002.

Submission:

PreventionGenetics, part of Exact Sciences
Classification: Likely benign for SIM1-related condition. Last evaluated: 2021-04-09. Review status: no assertion criteria provided. Collection method: clinical testing. Allele origin: germline.
Comment: This variant is classified as likely benign based on ACMG/AMP sequence variant interpretation guidelines (Richards et al. 2015 PMID: 25741868, with internal and published modifications).